The following is an entry in ClinVar:

NM_138576.4(BCL11B):c.1180C>T (p.Pro394Ser)

Gene: BCL11B (BCL11 transcription factor B; minus strand). Cytogenetic location: 14q32.2.
Variant type: single nucleotide variant.
Coding change: c.1180C>T on transcript NM_138576.4 (MANE Select); coding-DNA position 1180, C replaced by T.
Protein change: p.Pro394Ser; replaces proline 394 with serine.
Molecular consequence: missense variant.
Genome position (GRCh38, 1-based): chr14:99,175,656, G>A on the plus strand (C>T on the coding strand, the complement: BCL11B is on the minus strand). VCF-style: chr14-99175656-G-A. GRCh37 (hg19) VCF-style: chr14-99641993-G-A.
Other names: c.1177C>T, p.Pro393Ser (NM_001282237.2); c.964C>T, p.Pro322Ser (NM_001282238.2); c.967C>T, p.Pro323Ser (NM_022898.3); short protein forms P323S, P393S, P394S, P322S.
Identifiers: ClinVar variation 2136186 (VCV002136186.1), dbSNP rs2503648551, ClinGen allele CA390935942.

ClinVar aggregate classification (germline): Uncertain significance (1 of 4 stars; one submission).

Submission:

GeneDx
Classification: Uncertain significance. Last evaluated: 2022-07-21. Review status: criteria provided, single submitter. Criteria: GeneDx Variant Classification Process June 2021. Collection method: clinical testing. Allele origin: germline. Affected: yes.
Comment: Not observed at significant frequency in large population cohorts (gnomAD); In silico analysis supports that this missense variant has a deleterious effect on protein structure/function; Has not been previously published as pathogenic or benign to our knowledge